The following is an entry in ClinVar:

NM_000452.3(SLC10A2):c.271_278dup (p.Pro94fs)

Gene: SLC10A2 (solute carrier family 10 member 2; minus strand). Cytogenetic location: 13q33.1.
Variant type: Duplication.
Coding change: c.271_278dup on transcript NM_000452.3 (MANE Select); coding-DNA positions 271 to 278, 8 bases duplicated (GACATCCT; older notation c.271_278dupGACATCCT).
Protein change: p.Pro94fs; shifts the reading frame from proline 94.
Molecular consequence: frameshift variant.
Genome position (GRCh38, 1-based): chr13:103,065,972-103,065,979, AGGATGTC duplicated on the plus strand (GACATCCT on the coding strand, the reverse complement: SLC10A2 is on the minus strand); duplicating any 8 consecutive bases within chr13:103,065,972-103,065,980 gives the same sequence; the c. name uses the placement nearest the transcript's 3' end. VCF-style (leftmost placement, unchanged base first): chr13-103065971-G-GAGGATGTC. GRCh37 (hg19) VCF-style: chr13-103718321-G-GAGGATGTC.
Other names: short protein forms P94fs.
Identifiers: ClinVar variation 2694214 (VCV002694214.3), dbSNP rs2501427033, ClinGen allele CA2697551923.

ClinVar aggregate classification (germline): Uncertain significance (1 of 4 stars; one submission).

Submission:

Labcorp Genetics (formerly Invitae), Labcorp
Classification: Uncertain significance. Last evaluated: 2023-11-07. Review status: criteria provided, single submitter. Criteria: Invitae Variant Classification Sherloc (09022015). Collection method: clinical testing. Allele origin: germline.
Comment: This sequence change creates a premature translational stop signal (p.Pro94Thrfs*8) in the SLC10A2 gene. It is expected to result in an absent or disrupted protein product. However, the current clinical and genetic evidence is not sufficient to establish whether loss-of-function variants in SLC10A2 cause disease. This variant is not present in population databases (gnomAD no frequency). This variant has not been reported in the literature in individuals affected with SLC10A2-related conditions. In summary, the available evidence is currently insufficient to determine the role of this variant in disease. Therefore, it has been classified as a Variant of Uncertain Significance.